The following is an entry in ClinVar:

NM_144670.6(A2ML1):c.3542C>T (p.Ser1181Leu)

Gene: A2ML1 (alpha-2-macroglobulin like 1; plus strand). Cytogenetic location: 12p13.31.
Variant type: single nucleotide variant.
Coding change: c.3542C>T on transcript NM_144670.6 (MANE Select); coding-DNA position 3542, C replaced by T.
Protein change: p.Ser1181Leu; replaces serine 1181 with leucine.
Molecular consequence: missense variant.
Genome position (GRCh38, 1-based): chr12:8,863,833, C>T. VCF-style: chr12-8863833-C-T. GRCh37 (hg19) VCF-style: chr12-9016429-C-T.
Other names: c.2069C>T, p.Ser690Leu (NM_001282424.3); short protein forms S690L, S1181L.
Identifiers: ClinVar variation 3665646 (VCV003665646.2).

ClinVar aggregate classification (germline): Uncertain significance (1 of 4 stars; one submission).

gnomAD v4.1: 20 of 1,614,096 alleles (0.0012%); highest among the groups gnomAD compares: East Asian, 0.013%; no homozygotes.

Submission:

Labcorp Genetics (formerly Invitae), Labcorp
Classification: Uncertain significance. Last evaluated: 2024-08-27. Review status: criteria provided, single submitter. Criteria: Invitae Variant Classification Sherloc (09022015). Collection method: clinical testing. Allele origin: germline.
Comment: This sequence change replaces serine, which is neutral and polar, with leucine, which is neutral and non-polar, at codon 1181 of the A2ML1 protein (p.Ser1181Leu). This variant is present in population databases (rs767017796, gnomAD 0.007%). This variant has not been reported in the literature in individuals affected with A2ML1-related conditions. An algorithm developed to predict the effect of missense changes on protein structure and function outputs the following: PolyPhen-2: "Benign". The leucine amino acid residue is found in multiple mammalian species, which suggests that this missense change does not adversely affect protein function. In summary, the available evidence is currently insufficient to determine the role of this variant in disease. Therefore, it has been classified as a Variant of Uncertain Significance.